The following is an entry in ClinVar:

ClinVar aggregate classification (germline): Uncertain significance (1 of 4 stars; one submission).

Allele frequency attached by ClinVar (database versions not stated): ExAC 0.00002; gnomAD exomes 0.00002; TOPMed 0.00002; gnomAD 0.00004.
gnomAD v4.1: 30 of 1,614,126 alleles (0.0019%); highest among the groups gnomAD compares: Middle Eastern, 0.016%; no homozygotes.

Submission:

Labcorp Genetics (formerly Invitae), Labcorp
Classification: Uncertain significance. Last evaluated: 2022-03-02. Review status: criteria provided, single submitter. Criteria: Invitae Variant Classification Sherloc (09022015). Collection method: clinical testing. Allele origin: germline.
Comment: This sequence change replaces proline, which is neutral and non-polar, with leucine, which is neutral and non-polar, at codon 38 of the TMEM107 protein (p.Pro38Leu). This variant is present in population databases (rs759112528, gnomAD 0.002%). This variant has not been reported in the literature in individuals affected with TMEM107-related conditions. Algorithms developed to predict the effect of missense changes on protein structure and function are either unavailable or do not agree on the potential impact of this missense change (SIFT: "Deleterious"; PolyPhen-2: "Probably Damaging"; Align-GVGD: "Class C0"). In summary, the available evidence is currently insufficient to determine the role of this variant in disease. Therefore, it has been classified as a Variant of Uncertain Significance.

NM_183065.4(TMEM107):c.113C>T (p.Pro38Leu)

Genes: TMEM107 (transmembrane protein 107; minus strand), LOC105371520 (uncharacterized LOC105371520; plus strand). Cytogenetic location: 17p13.1.
Variant type: single nucleotide variant.
Coding change: c.113C>T on transcript NM_183065.4 (MANE Select); coding-DNA position 113, C replaced by T.
Protein change: p.Pro38Leu; replaces proline 38 with leucine.
Molecular consequence: missense variant.
Genome position (GRCh38, 1-based): chr17:8,176,001, G>A on the plus strand (C>T on the coding strand, the complement: TMEM107 is on the minus strand). VCF-style: chr17-8176001-G-A. GRCh37 (hg19) VCF-style: chr17-8079319-G-A.
Other names: c.113C>T, p.Pro38Leu (NM_001351278.2, NM_001351279.2, NM_001351280.2 and 1 more transcripts); short protein forms P38L.
Identifiers: ClinVar variation 2181960 (VCV002181960.1), dbSNP rs759112528, ClinGen allele CA8371050.